The following is an entry in ClinVar:

NM_003737.4(DCHS1):c.4964G>C (p.Ser1655Thr)

Gene: DCHS1 (dachsous cadherin-related 1; minus strand). Cytogenetic location: 11p15.4.
Variant type: single nucleotide variant.
Coding change: c.4964G>C on transcript NM_003737.4 (MANE Select); coding-DNA position 4964, G replaced by C.
Protein change: p.Ser1655Thr; replaces serine 1655 with threonine.
Molecular consequence: missense variant.
Genome position (GRCh38, 1-based): chr11:6,629,743, C>G on the plus strand (G>C on the coding strand, the complement: DCHS1 is on the minus strand). VCF-style: chr11-6629743-C-G. GRCh37 (hg19) VCF-style: chr11-6650974-C-G.
Other names: short protein forms S1655T.
Identifiers: ClinVar variation 3697547 (VCV003697547.2).

ClinVar aggregate classification (germline): Uncertain significance (1 of 4 stars; one submission).

gnomAD v4.1: 11 of 1,613,782 alleles (0.00068%); highest among the groups gnomAD compares: South Asian, 0.0022%; no homozygotes.

Submission:

Labcorp Genetics (formerly Invitae), Labcorp
Classification: Uncertain significance. Last evaluated: 2024-08-07. Review status: criteria provided, single submitter. Criteria: Invitae Variant Classification Sherloc (09022015). Collection method: clinical testing. Allele origin: germline.
Comment: This sequence change replaces serine, which is neutral and polar, with threonine, which is neutral and polar, at codon 1655 of the DCHS1 protein (p.Ser1655Thr). This variant is present in population databases (rs781399276, gnomAD 0.006%). This variant has not been reported in the literature in individuals affected with DCHS1-related conditions. Advanced modeling of protein sequence and biophysical properties (such as structural, functional, and spatial information, amino acid conservation, physicochemical variation, residue mobility, and thermodynamic stability) performed at Invitae indicates that this missense variant is not expected to disrupt DCHS1 protein function with a negative predictive value of 80%. In summary, the available evidence is currently insufficient to determine the role of this variant in disease. Therefore, it has been classified as a Variant of Uncertain Significance.